The following is an entry in ClinVar:

ClinVar aggregate classification (germline): Uncertain significance (1 of 4 stars; one submission).

Conditions:
Alagille syndrome due to a JAG1 point mutation. Also called: HEPATIC DUCTULAR HYPOPLASIA, SYNDROMATIC; JAG1-Related Alagille Syndrome; Alagille Syndrome 1. Identifiers: Orphanet 261619, Orphanet 52, MedGen C1956125, MONDO:0016862, OMIM 118450.

Submission:

Labcorp Genetics (formerly Invitae), Labcorp
Classification: Uncertain significance for Alagille syndrome due to a JAG1 point mutation. Last evaluated: 2018-11-08. Review status: criteria provided, single submitter. Criteria: Invitae Variant Classification Sherloc (09022015). Collection method: clinical testing. Allele origin: germline.
Comment: In summary, the available evidence is currently insufficient to determine the role of this variant in disease. Therefore, it has been classified as a Variant of Uncertain Significance. Experimental studies and prediction algorithms are not available for this variant, and the functional significance of the affected amino acid(s) is currently unknown. This variant has not been reported in the literature in individuals with JAG1-related disease. The frequency data for this variant in the population databases is considered unreliable, as metrics indicate poor data quality at this position in the ExAC database. This variant, c.139_159delGGGGAGCTGCAGAACGGGAAC, results in the deletion of 7 amino acid(s) of the JAG1 protein (p.Gly47_Asn53del), but otherwise preserves the integrity of the reading frame.

NM_000214.3(JAG1):c.139_159del (p.Gly47_Asn53del)

Gene: JAG1 (jagged canonical Notch ligand 1; minus strand). Cytogenetic location: 20p12.2.
Variant type: Deletion.
Coding change: c.139_159del on transcript NM_000214.3 (MANE Select); coding-DNA positions 139 to 159, 21 bases deleted (GGGGAGCTGCAGAACGGGAAC).
Protein change: p.Gly47_Asn53del.
Molecular consequence: inframe deletion.
Genome position (GRCh38, 1-based): chr20:10,672,929-10,672,949, GTTCCCGTTCTGCAGCTCCCC deleted on the plus strand (GGGGAGCTGCAGAACGGGAAC on the coding strand, the reverse complement: JAG1 is on the minus strand); deleting any 21 consecutive bases within chr20:10,672,929-10,672,953 gives the same sequence; the c. name uses the placement nearest the transcript's 3' end. VCF-style (leftmost placement, unchanged base first): chr20-10672928-AGTTCCCGTTCTGCAGCTCCCC-A. GRCh37 (hg19) VCF-style: chr20-10653576-AGTTCCCGTTCTGCAGCTCCCC-A.
Other names: c.139_159del, p.Gly47_Asn53del (LRG_1191t1).
Identifiers: ClinVar variation 652140 (VCV000652140.8), dbSNP rs754284753, ClinGen allele CA9765208.